The following is an entry in ClinVar:

NM_001165963.4(SCN1A):c.3539G>T (p.Cys1180Phe)

Genes: SCN1A (sodium voltage-gated channel alpha subunit 1; minus strand), LOC102724058 (uncharacterized LOC102724058; plus strand). Cytogenetic location: 2q24.3.
Variant type: single nucleotide variant.
Coding change: c.3539G>T on transcript NM_001165963.4 (MANE Select); coding-DNA position 3539, G replaced by T.
Protein change: p.Cys1180Phe; replaces cysteine 1180 with phenylalanine.
Molecular consequence: missense variant. On other transcripts: non-coding transcript variant (2).
Genome position (GRCh38, 1-based): chr2:166,015,618, C>A on the plus strand (G>T on the coding strand, the complement: SCN1A is on the minus strand). VCF-style: chr2-166015618-C-A. GRCh37 (hg19) VCF-style: chr2-166872128-C-A.
Other names: c.3455G>T, p.Cys1152Phe (NM_001165964.3, NM_001353957.2, NM_001353958.2); c.3539G>T, p.Cys1180Phe (NM_001202435.3, NM_001353948.2); c.3506G>T, p.Cys1169Phe (NM_001353949.2, NM_001353950.2, NM_001353951.2 and 2 more transcripts); c.3503G>T, p.Cys1168Phe (NM_001353954.2, NM_001353955.2); c.3452G>T, p.Cys1151Phe (NM_001353960.2); c.1097G>T, p.Cys366Phe (NM_001353961.2); short protein forms C1180F, C1169F, C1151F, C1152F, C1168F, C366F.
Identifiers: ClinVar variation 530438 (VCV000530438.11), dbSNP rs1444741563, ClinGen allele CA349056585.
Genomic context (GRCh38, chr2:166,015,618, plus strand): 5'-ACAAGCTGCACTCCAAATGAAAGATTAACATTAGGATTCTTTTCTTTACCTTCAGTGAAA[C>A]AAGCTTCTGGTTCAAGAGTTTCTTCAGGTTCCACTACGGGCTGTTCTTCTACAGGTGCGC-3'
Protein context (NP_001159435.1, residues 1170-1190): EPEETLEPEA[Cys1180Phe]FTEGCVQRFK

ClinVar aggregate classification (germline): Uncertain significance. Review status: criteria provided, multiple submitters, no conflicts (2 of 4 stars). 2 submissions from 2 submitters: Uncertain significance (2). Last evaluated 2026-01-03.

Conditions:
Early-infantile DEE. Also called: Early infantile epileptic encephalopathy with suppression bursts; Ohtahara syndrome; Early infantile epileptic encephalopathy. Identifiers: Orphanet 1934, MedGen C0393706, MONDO:0800491.

Allele frequency attached by ClinVar (database versions not stated): gnomAD exomes below 0.00001.
gnomAD v4.1: 1 of 1,612,636 alleles (0.000062%); highest among the groups gnomAD compares: Admixed American, 0.0017%; no homozygotes.

Submissions (2):

GeneDx
Classification: Uncertain significance. Last evaluated: 2026-01-03. Review status: criteria provided, single submitter. Criteria: GeneDx Variant Classification Process June 2021. Collection method: clinical testing. Allele origin: germline.
Comment: Not observed at significant frequency in large population cohorts (gnomAD); In silico analysis supports that this missense variant has a deleterious effect on protein structure/function; Has not been previously published as pathogenic or benign to our knowledge; This substitution is predicted to be within the cytoplasmic loop between the second and third homologous domains

Labcorp Genetics (formerly Invitae), Labcorp
Classification: Uncertain significance for Early-infantile DEE. Last evaluated: 2022-08-31. Review status: criteria provided, single submitter. Criteria: Invitae Variant Classification Sherloc (09022015). Collection method: clinical testing. Allele origin: germline.
Comment: In summary, the available evidence is currently insufficient to determine the role of this variant in disease. Therefore, it has been classified as a Variant of Uncertain Significance. Advanced modeling of protein sequence and biophysical properties (such as structural, functional, and spatial information, amino acid conservation, physicochemical variation, residue mobility, and thermodynamic stability) performed at Invitae indicates that this missense variant is expected to disrupt SCN1A protein function. ClinVar contains an entry for this variant (Variation ID: 530438). This variant has not been reported in the literature in individuals affected with SCN1A-related conditions. This variant is present in population databases (no rsID available, gnomAD 0.003%). This sequence change replaces cysteine, which is neutral and slightly polar, with phenylalanine, which is neutral and non-polar, at codon 1180 of the SCN1A protein (p.Cys1180Phe).